The following is an entry in ClinVar:

NM_001184.4(ATR):c.5080G>A (p.Ala1694Thr)

Gene: ATR (ATR checkpoint kinase; minus strand). Cytogenetic location: 3q23.
Variant type: single nucleotide variant.
Coding change: c.5080G>A on transcript NM_001184.4 (MANE Select); coding-DNA position 5080, G replaced by A.
Protein change: p.Ala1694Thr; replaces alanine 1694 with threonine.
Molecular consequence: missense variant.
Genome position (GRCh38, 1-based): chr3:142,505,255, C>T on the plus strand (G>A on the coding strand, the complement: ATR is on the minus strand). VCF-style: chr3-142505255-C-T. GRCh37 (hg19) VCF-style: chr3-142224097-C-T.
Other names: c.4888G>A, p.Ala1630Thr (NM_001354579.2); short protein forms A1630T, A1694T.
Identifiers: ClinVar variation 2567824 (VCV002567824.2), dbSNP rs2108355897, ClinGen allele CA354820039.

ClinVar aggregate classification (germline): Uncertain significance (1 of 4 stars; one submission).

Conditions:
Inborn genetic diseases. Identifiers: MedGen C0950123, MeSH D030342.

Submission:

Ambry Genetics
Classification: Uncertain significance for Inborn genetic diseases. Last evaluated: 2023-05-05. Review status: criteria provided, single submitter. Criteria: Ambry Variant Classification Scheme 2023. Collection method: clinical testing. Allele origin: germline.
Comment: The p.A1694T variant (also known as c.5080G>A), located in coding exon 29 of the ATR gene, results from a G to A substitution at nucleotide position 5080. The alanine at codon 1694 is replaced by threonine, an amino acid with similar properties. This amino acid position is conserved. In addition, this alteration is predicted to be tolerated by in silico analysis. Since supporting evidence is limited at this time, the clinical significance of this alteration remains unclear.